The following is an entry in ClinVar:

ClinVar aggregate classification (germline): Uncertain significance. Review status: criteria provided, multiple submitters, no conflicts (2 of 4 stars). 2 submissions from 2 submitters: Uncertain significance (2). Last evaluated 2026-08-23.

Conditions:
Hereditary cancer-predisposing syndrome. Also called: Tumor predisposition; Hereditary neoplastic syndrome; Neoplastic Syndromes, Hereditary; Hereditary Cancer Syndrome. Identifiers: Orphanet 140162, MedGen C0027672, MeSH D009386, MONDO:0015356.

Submissions (2):

Ambry Genetics
Classification: Uncertain significance for Hereditary cancer-predisposing syndrome. Last evaluated: 2026-08-23. Review status: criteria provided, single submitter. Criteria: Ambry Variant Classification Scheme 2023. Collection method: clinical testing. Allele origin: germline.
Comment: The p.M1845I variant (also known as c.5535G>A), located in coding exon 40 of the POLE gene, results from a G to A substitution at nucleotide position 5535. The methionine at codon 1845 is replaced by isoleucine, an amino acid with highly similar properties. This amino acid position is conserved. In addition, the in silico prediction for this alteration is inconclusive. Based on the available evidence, the clinical significance of this variant remains unclear.

Labcorp Genetics (formerly Invitae), Labcorp
Classification: Uncertain significance. Last evaluated: 2020-02-13. Review status: criteria provided, single submitter. Criteria: Invitae Variant Classification Sherloc (09022015). Collection method: clinical testing. Allele origin: germline.
Comment: This variant is not present in population databases (ExAC no frequency). This variant has not been reported in the literature in individuals with POLE-related conditions. Algorithms developed to predict the effect of missense changes on protein structure and function (SIFT, PolyPhen-2, Align-GVGD) all suggest that this variant is likely to be tolerated, but these predictions have not been confirmed by published functional studies and their clinical significance is uncertain. In summary, the available evidence is currently insufficient to determine the role of this variant in disease. Therefore, it has been classified as a Variant of Uncertain Significance. This sequence change replaces methionine with isoleucine at codon 1845 of the POLE protein (p.Met1845Ile). The methionine residue is highly conserved and there is a small physicochemical difference between methionine and isoleucine.

NM_006231.4(POLE):c.5535G>A (p.Met1845Ile)

Gene: POLE (DNA polymerase epsilon, catalytic subunit; minus strand). Cytogenetic location: 12q24.33.
Variant type: single nucleotide variant.
Coding change: c.5535G>A on transcript NM_006231.4 (MANE Select); coding-DNA position 5535, G replaced by A.
Protein change: p.Met1845Ile; replaces methionine 1845 with isoleucine.
Molecular consequence: missense variant.
Genome position (GRCh38, 1-based): chr12:132,639,142, C>T on the plus strand (G>A on the coding strand, the complement: POLE is on the minus strand). VCF-style: chr12-132639142-C-T. GRCh37 (hg19) VCF-style: chr12-133215728-C-T.
Other names: c.5535G>A (NM_006231.2); short protein forms M1845I.
Identifiers: ClinVar variation 838621 (VCV000838621.10), dbSNP rs2042090622, ClinGen allele CA387374564.